The following is an entry in ClinVar:

NM_001379659.1(ZNF142):c.3810G>A (p.Pro1270=)

Gene: ZNF142 (zinc finger protein 142; minus strand). Cytogenetic location: 2q35.
Variant type: single nucleotide variant.
Coding change: c.3810G>A on transcript NM_001379659.1 (MANE Select); coding-DNA position 3810, G replaced by A.
Protein change: p.Pro1270=; no amino-acid change (proline 1270 retained).
Molecular consequence: synonymous variant.
Genome position (GRCh38, 1-based): chr2:218,643,306, C>T on the plus strand (G>A on the coding strand, the complement: ZNF142 is on the minus strand). VCF-style: chr2-218643306-C-T. GRCh37 (hg19) VCF-style: chr2-219508029-C-T.
Other names: c.3210G>A, p.Pro1070= (NM_001105537.5, NM_001366291.3, NM_001379662.1); c.2721G>A, p.Pro907= (NM_001366287.3, NM_001366288.3, NM_001366289.3); c.3810G>A, p.Pro1270= (NM_001366290.3, NM_001379660.1, NM_001379661.1).
Identifiers: ClinVar variation 3352722 (VCV003352722.1).
Genomic context (GRCh38, chr2:218,643,306, plus strand): 5'-ATCACCAGAGCTGGACTCTGTACTCCCATTCTTCGGGGGAGCAGAGTCCCCATTGCTCAA[C>T]GGGGACACATCAGGCTGGGTCTGGGGGGTCCCTCGTTTTCCTCCCCCGCCACGTCCCCCC-3'
Protein context (NP_001366588.1, residues 1260-1280): GTPQTQPDVS[Pro1270=]LSNGDSAPPK

ClinVar aggregate classification (germline): Likely benign (0 of 4 stars; one submission).

Conditions:
ZNF142-related disorder. Also called: ZNF142-related condition.

Submission:

PreventionGenetics, part of Exact Sciences
Classification: Likely benign for ZNF142-related condition. Last evaluated: 2024-06-20. Review status: no assertion criteria provided. Collection method: clinical testing. Allele origin: germline.
Comment: This variant is classified as likely benign based on ACMG/AMP sequence variant interpretation guidelines (Richards et al. 2015 PMID: 25741868, with internal and published modifications).